The following is an entry in ClinVar:

ClinVar aggregate classification (germline): Uncertain significance (1 of 4 stars; one submission).

Allele frequency attached by ClinVar (database versions not stated): gnomAD exomes below 0.00001; TOPMed 0.00001.
gnomAD v4.1: 2 of 1,609,520 alleles (0.00012%); highest among the groups gnomAD compares: African/African-American, 0.0013%; no homozygotes.

Submission:

Labcorp Genetics (formerly Invitae), Labcorp
Classification: Uncertain significance. Last evaluated: 2021-07-29. Review status: criteria provided, single submitter. Criteria: Invitae Variant Classification Sherloc (09022015). Collection method: clinical testing. Allele origin: germline.
Comment: In summary, the available evidence is currently insufficient to determine the role of this variant in disease. Therefore, it has been classified as a Variant of Uncertain Significance. Algorithms developed to predict the effect of missense changes on protein structure and function output the following: SIFT: "Tolerated"; PolyPhen-2: "Benign"; Align-GVGD: "Class C0". The glycine amino acid residue is found in multiple mammalian species, which suggests that this missense change does not adversely affect protein function. This variant has not been reported in the literature in individuals affected with TUBGCP6-related conditions. This variant is not present in population databases (ExAC no frequency). This sequence change replaces serine with glycine at codon 3 of the TUBGCP6 protein (p.Ser3Gly). The serine residue is moderately conserved and there is a small physicochemical difference between serine and glycine.

NM_020461.4(TUBGCP6):c.7A>G (p.Ser3Gly)

Gene: TUBGCP6 (tubulin gamma complex component 6; minus strand). Cytogenetic location: 22q13.33.
Variant type: single nucleotide variant.
Coding change: c.7A>G on transcript NM_020461.4 (MANE Select); coding-DNA position 7, A replaced by G.
Protein change: p.Ser3Gly; replaces serine 3 with glycine.
Molecular consequence: missense variant.
Genome position (GRCh38, 1-based): chr22:50,244,453, T>C on the plus strand (A>G on the coding strand, the complement: TUBGCP6 is on the minus strand). VCF-style: chr22-50244453-T-C. GRCh37 (hg19) VCF-style: chr22-50682882-T-C.
Other names: short protein forms S3G.
Identifiers: ClinVar variation 1434436 (VCV001434436.5), dbSNP rs2064892885, ClinGen allele CA412117718.